The following is an entry in ClinVar:

ClinVar aggregate classification (germline): Conflicting classifications of pathogenicity. Review status: criteria provided, conflicting classifications (1 of 4 stars). 4 submissions from 4 submitters: Uncertain significance (3); Likely benign (1). Last evaluated 2023-02-13.

Conditions:
X-linked intellectual disability, Cantagrel type (XLID98). Also called: INTELLECTUAL DEVELOPMENTAL DISORDER, X-LINKED 98. Identifiers: Orphanet 85277, MedGen C3806730, MONDO:0010483, OMIM 300912.

Allele frequency attached by ClinVar (database versions not stated): ExAC 0.00001; gnomAD exomes 0.00001.

Submissions (4):

Revvity Omics, Revvity
Classification: Uncertain significance for X-linked intellectual disability, Cantagrel type. Last evaluated: 2023-02-13. Review status: criteria provided, single submitter. Criteria: ACMG Guidelines, 2015. Collection method: clinical testing. Allele origin: germline.

Labcorp Genetics (formerly Invitae), Labcorp
Classification: Uncertain significance. Last evaluated: 2022-08-15. Review status: criteria provided, single submitter. Criteria: Invitae Variant Classification Sherloc (09022015). Collection method: clinical testing. Allele origin: germline.
Comment: In summary, the available evidence is currently insufficient to determine the role of this variant in disease. Therefore, it has been classified as a Variant of Uncertain Significance. Algorithms developed to predict the effect of missense changes on protein structure and function (SIFT, PolyPhen-2, Align-GVGD) all suggest that this variant is likely to be disruptive. ClinVar contains an entry for this variant (Variation ID: 589350). This variant has not been reported in the literature in individuals affected with NEXMIF-related conditions. This variant is present in population databases (rs752027152, gnomAD 0.001%), including at least one homozygous and/or hemizygous individual. This sequence change replaces glycine, which is neutral and non-polar, with aspartic acid, which is acidic and polar, at codon 148 of the NEXMIF protein (p.Gly148Asp).

Blueprint Genetics
Classification: Likely benign. Last evaluated: 2020-11-04. Review status: criteria provided, single submitter. Criteria: ACMG Guidelines, 2015. Collection method: clinical testing. Allele origin: germline.

Ambry Genetics
Classification: Uncertain significance. Last evaluated: 2016-08-08. Review status: criteria provided, single submitter. Criteria: Ambry Variant Classification Scheme 2023. Collection method: clinical testing. Allele origin: germline.
Comment: The p.G148D variant (also known as c.443G>A), located in coding exon 2 of the KIAA2022 gene, results from a G to A substitution at nucleotide position 443. The glycine at codon 148 is replaced by aspartic acid, an amino acid with some similar properties. This variant was not reported in population based cohorts in the following databases: Database of Single Nucleotide Polymorphisms (dbSNP), NHLBI Exome Sequencing Project (ESP), and 1000 Genomes Project. In the ESP, this variant was not observed in 6503 samples with coverage at this position. This amino acid position is highly conserved in available vertebrate species. In addition, this alteration is predicted to be deleterious by in silico analysis. Since supporting evidence is limited at this time, the clinical significance of this variant remains unclear.

NM_001008537.3(NEXMIF):c.443G>A (p.Gly148Asp)

Gene: NEXMIF (neurite extension and migration factor; minus strand). Cytogenetic location: Xq13.3.
Variant type: single nucleotide variant.
Coding change: c.443G>A on transcript NM_001008537.3 (MANE Select); coding-DNA position 443, G replaced by A.
Protein change: p.Gly148Asp; replaces glycine 148 with aspartic acid.
Molecular consequence: missense variant.
Genome position (GRCh38, 1-based): chrX:74,744,114, C>T on the plus strand (G>A on the coding strand, the complement: NEXMIF is on the minus strand). VCF-style: chrX-74744114-C-T. GRCh37 (hg19) VCF-style: chrX-73963949-C-T.
Other names: short protein forms G148D.
Identifiers: ClinVar variation 589350 (VCV000589350.13), dbSNP rs752027152, ClinGen allele CA10455211.